The following is an entry in ClinVar:

ClinVar aggregate classification (germline): Uncertain significance. Review status: criteria provided, multiple submitters, no conflicts (2 of 4 stars). 2 submissions from 2 submitters: Uncertain significance (2). Last evaluated 2025-04-05.

Conditions:
Bloom syndrome (BLM). Also called: Bloom-Torre-Machacek syndrome. Identifiers: Orphanet 125, MedGen C0005859, MONDO:0008876, OMIM 210900.
Hereditary cancer-predisposing syndrome. Also called: Neoplastic Syndromes, Hereditary; Hereditary neoplastic syndrome; Tumor predisposition; Hereditary Cancer Syndrome. Identifiers: Orphanet 140162, MedGen C0027672, MeSH D009386, MONDO:0015356.

Allele frequency attached by ClinVar (database versions not stated): gnomAD exomes below 0.00001.
gnomAD v4.1: 1 of 1,613,842 alleles (0.000062%); highest among the groups gnomAD compares: Non-Finnish European, 0.000085%; no homozygotes.

Submissions (2):

Ambry Genetics
Classification: Uncertain significance for Hereditary cancer-predisposing syndrome. Last evaluated: 2025-04-05. Review status: criteria provided, single submitter. Criteria: Ambry Variant Classification Scheme 2023. Collection method: clinical testing. Allele origin: germline.
Comment: The p.G708R variant (also known as c.2122G>C), located in coding exon 8 of the BLM gene, results from a G to C substitution at nucleotide position 2122. The glycine at codon 708 is replaced by arginine, an amino acid with dissimilar properties. This amino acid position is conserved. In addition, this alteration is predicted to be deleterious by in silico analysis. Based on the available evidence, the clinical significance of this variant remains unclear.

Labcorp Genetics (formerly Invitae), Labcorp
Classification: Uncertain significance for Bloom syndrome. Last evaluated: 2022-08-22. Review status: criteria provided, single submitter. Criteria: Invitae Variant Classification Sherloc (09022015). Collection method: clinical testing. Allele origin: germline.
Comment: This sequence change replaces glycine, which is neutral and non-polar, with arginine, which is basic and polar, at codon 708 of the BLM protein (p.Gly708Arg). This variant is not present in population databases (gnomAD no frequency). This variant has not been reported in the literature in individuals affected with BLM-related conditions. ClinVar contains an entry for this variant (Variation ID: 524806). Algorithms developed to predict the effect of missense changes on protein structure and function are either unavailable or do not agree on the potential impact of this missense change (SIFT: "Deleterious"; PolyPhen-2: "Probably Damaging"; Align-GVGD: "Class C15"). In summary, the available evidence is currently insufficient to determine the role of this variant in disease. Therefore, it has been classified as a Variant of Uncertain Significance.

NM_000057.4(BLM):c.2122G>C (p.Gly708Arg)

Gene: BLM (BLM RecQ like helicase; plus strand). Cytogenetic location: 15q26.1.
Variant type: single nucleotide variant.
Coding change: c.2122G>C on transcript NM_000057.4 (MANE Select); coding-DNA position 2122, G replaced by C.
Protein change: p.Gly708Arg; replaces glycine 708 with arginine.
Molecular consequence: missense variant.
Genome position (GRCh38, 1-based): chr15:90,765,343, G>C. VCF-style: chr15-90765343-G-C. GRCh37 (hg19) VCF-style: chr15-91308573-G-C.
Other names: c.2122G>C, p.Gly708Arg (NM_001287246.2, NM_001287247.2); c.997G>C, p.Gly333Arg (NM_001287248.2); c.2122G>C (NM_000057.2); short protein forms G708R, G333R.
Identifiers: ClinVar variation 524806 (VCV000524806.9), dbSNP rs1555420390, ClinGen allele CA393844606.